The following is an entry in ClinVar:

ClinVar aggregate classification (germline): Uncertain significance (1 of 4 stars; one submission).

Submission:

Ambry Genetics
Classification: Uncertain significance. Last evaluated: 2024-03-12. Review status: criteria provided, single submitter. Criteria: Ambry Variant Classification Scheme 2023. Collection method: clinical testing. Allele origin: germline.
Comment: The p.N458D variant (also known as c.1372A>G), located in coding exon 13 of the NPAT gene, results from an A to G substitution at nucleotide position 1372. The asparagine at codon 458 is replaced by aspartic acid, an amino acid with highly similar properties. This amino acid position is conserved. In addition, this alteration is predicted to be tolerated by in silico analysis. Based on the available evidence, the clinical significance of this alteration remains unclear.

NM_002519.3(NPAT):c.1372A>G (p.Asn458Asp)

Gene: NPAT (nuclear protein, coactivator of histone transcription; minus strand). Cytogenetic location: 11q22.3.
Variant type: single nucleotide variant.
Coding change: c.1372A>G on transcript NM_002519.3 (MANE Select); coding-DNA position 1372, A replaced by G.
Protein change: p.Asn458Asp; replaces asparagine 458 with aspartic acid.
Molecular consequence: missense variant.
Genome position (GRCh38, 1-based): chr11:108,173,612, T>C on the plus strand (A>G on the coding strand, the complement: NPAT is on the minus strand). VCF-style: chr11-108173612-T-C. GRCh37 (hg19) VCF-style: chr11-108044339-T-C.
Other names: c.1372A>G, p.Asn458Asp (NM_001321307.1); short protein forms N458D.
Identifiers: ClinVar variation 3222463 (VCV003222463.1), dbSNP rs2496721567, ClinGen allele CA382515449.